The following is an entry in ClinVar:

NM_021815.5(SLC5A7):c.486C>T (p.His162=)

Gene: SLC5A7 (solute carrier family 5 member 7; plus strand). Cytogenetic location: 2q12.3.
Variant type: single nucleotide variant.
Coding change: c.486C>T on transcript NM_021815.5 (MANE Select); coding-DNA position 486, C replaced by T.
Protein change: p.His162=; no amino-acid change (histidine 162 retained).
Molecular consequence: synonymous variant. On other transcripts: 5 prime UTR variant (1).
Genome position (GRCh38, 1-based): chr2:107,997,875, C>T. VCF-style: chr2-107997875-C-T. GRCh37 (hg19) VCF-style: chr2-108614331-C-T.
Other names: p.His162=; c.486C>T (NM_021815.4); c.486C>T, p.His162= (NM_001305005.3); c.171C>T, p.His57= (NM_001305006.3); c.-219C>T (NM_001305007.3).
Identifiers: ClinVar variation 704350 (VCV000704350.47), dbSNP rs369362436, ClinGen allele CA1818979.

ClinVar aggregate classification (germline): Likely benign. Review status: criteria provided, multiple submitters, no conflicts (2 of 4 stars). 5 submissions from 5 submitters: Likely benign (4). 1 of the submissions does not count toward it. Last evaluated 2026-02-02.

Conditions:
Congenital myasthenic syndrome 20. Also called: Myasthenic syndrome, congenital, 20, presynaptic. Identifiers: MedGen C4310694, MONDO:0014939, OMIM 617143.
Neuronopathy, distal hereditary motor, type 7A. Also called: NEURONOPATHY, DISTAL HEREDITARY MOTOR, HARDING TYPE VIIA; NEUROPATHY, DISTAL HEREDITARY MOTOR, HARDING TYPE VIIA; Neuronopathy, distal hereditary motor, type viia; SPINAL MUSCULAR ATROPHY, DISTAL, WITH VOCAL CORD PARALYSIS; Neuronopathy, distal hereditary motor, autosomal dominant 7; HARPER-YOUNG MYOPATHY. Identifiers: Orphanet 139589, MedGen C1834703, MONDO:0008024, OMIM 158580.
SLC5A7-related disorder. Also called: SLC5A7-related condition.

Allele frequency attached by ClinVar (database versions not stated): TOPMed 0.00009; gnomAD 0.00015 and 0.00016; ExAC 0.00020; gnomAD exomes 0.00021 and 0.00027; ESP Exome Variant Server 0.00023.
gnomAD v4.1: 410 of 1,612,614 alleles (0.025%); highest among the groups gnomAD compares: Non-Finnish European, 0.029%; 1 homozygote.

Submissions (5):

Labcorp Genetics (formerly Invitae), Labcorp
Classification: Likely benign for Neuronopathy, distal hereditary motor, type 7A; Congenital myasthenic syndrome 20. Last evaluated: 2026-02-02. Review status: criteria provided, single submitter. Criteria: Invitae Variant Classification Sherloc (09022015). Collection method: clinical testing. Allele origin: germline.

Women's Health and Genetics/Laboratory Corporation of America, LabCorp
Classification: Likely benign. Last evaluated: 2025-09-09. Review status: criteria provided, single submitter. Criteria: LabCorp Variant Classification Summary - May 2015. Collection method: clinical testing. Allele origin: germline.

Mayo Clinic Laboratories, Mayo Clinic
Classification: Likely benign. Last evaluated: 2024-03-05. Review status: criteria provided, single submitter. Criteria: ACMG Guidelines, 2015. Collection method: clinical testing. Allele origin: germline. Observed: 4 variant alleles.
Comment: BP4, BP7

CeGaT Center for Human Genetics Tuebingen
Classification: Likely benign. Last evaluated: 2021-12-01. Review status: criteria provided, single submitter. Criteria: CeGaT Center For Human Genetics Tuebingen Variant Classification Criteria Version 2. Collection method: clinical testing. Allele origin: germline. Affected: yes. Observed: 1 variant allele.

PreventionGenetics, part of Exact Sciences
Classification: Likely benign for SLC5A7-related condition. Last evaluated: 2019-05-08. Review status: no assertion criteria provided. Collection method: clinical testing. Allele origin: germline. Not counted in ClinVar's aggregate classification.
Comment: This variant is classified as likely benign based on ACMG/AMP sequence variant interpretation guidelines (Richards et al. 2015 PMID: 25741868, with internal and published modifications).